The following is an entry in ClinVar:

NM_000268.4(NF2):c.24C>A (p.Arg8=)

Gene: NF2 (NF2, moesin-ezrin-radixin like (MERLIN) tumor suppressor; plus strand). Cytogenetic location: 22q12.2.
Variant type: single nucleotide variant.
Coding change: c.24C>A on transcript NM_000268.4 (MANE Select); coding-DNA position 24, C replaced by A.
Protein change: p.Arg8=; no amino-acid change (arginine 8 retained).
Molecular consequence: synonymous variant. On other transcripts: 5 prime UTR variant (4), non-coding transcript variant (1).
Genome position (GRCh38, 1-based): chr22:29,604,022, C>A. VCF-style: chr22-29604022-C-A. GRCh37 (hg19) VCF-style: chr22-30000011-C-A.
Other names: c.-207C>A (NM_001407053.1, NM_001407056.1); c.24C>A, p.Arg8= (NM_001407054.1, NM_001407055.1, NM_001407057.1 and 15 more transcripts); c.-617C>A (NM_001407065.1); c.-233C>A (NM_001407067.1).
Identifiers: ClinVar variation 4084242 (VCV004084242.8).

ClinVar aggregate classification (germline): Likely benign (1 of 4 stars; one submission).

gnomAD v4.1: 2 of 1,595,842 alleles (0.00013%); highest among the groups gnomAD compares: Admixed American, 0.0035%; no homozygotes.

Submission:

CeGaT Center for Human Genetics Tuebingen
Classification: Likely benign. Last evaluated: 2025-08-01. Review status: criteria provided, single submitter. Criteria: CeGaT Center For Human Genetics Tuebingen Variant Classification Criteria Version 2. Collection method: clinical testing. Allele origin: germline. Affected: yes. Observed: 1 variant allele.
Comment: NF2: BP4, BP7